The following is an entry in ClinVar:

ClinVar aggregate classification (germline): Uncertain significance. Review status: criteria provided, multiple submitters, no conflicts (2 of 4 stars). 2 submissions from 2 submitters: Uncertain significance (2). Last evaluated 2025-11-11.

Allele frequency attached by ClinVar (database versions not stated): gnomAD exomes 0.00002 and 0.00011; gnomAD 0.00004; ExAC 0.00007; TOPMed 0.00007; ESP Exome Variant Server 0.00008.
gnomAD v4.1: 33 of 1,612,070 alleles (0.002%); highest among the groups gnomAD compares: Admixed American, 0.048%; 1 homozygote.

Submissions (2):

Labcorp Genetics (formerly Invitae), Labcorp
Classification: Uncertain significance. Last evaluated: 2025-11-11. Review status: criteria provided, single submitter. Criteria: Invitae Variant Classification Sherloc (09022015). Collection method: clinical testing. Allele origin: germline.
Comment: This sequence change replaces cysteine, which is neutral and slightly polar, with tryptophan, which is neutral and slightly polar, at codon 298 of the GEN1 protein (p.Cys298Trp). This variant is present in population databases (rs371772153, gnomAD 0.07%), and has an allele count higher than expected for a pathogenic variant. This variant has not been reported in the literature in individuals affected with GEN1-related conditions. ClinVar contains an entry for this variant (Variation ID: 1369244). An algorithm developed to predict the effect of missense changes on protein structure and function (PolyPhen-2) suggests that this variant is likely to be disruptive. In summary, the available evidence is currently insufficient to determine the role of this variant in disease. Therefore, it has been classified as a Variant of Uncertain Significance.

Ambry Genetics
Classification: Uncertain significance. Last evaluated: 2025-11-08. Review status: criteria provided, single submitter. Criteria: Ambry Variant Classification Scheme 2023. Collection method: clinical testing. Allele origin: germline.

NM_001130009.3(GEN1):c.894T>G (p.Cys298Trp)

Gene: GEN1 (GEN1 structure-specific endonuclease; plus strand). Cytogenetic location: 2p24.2.
Variant type: single nucleotide variant.
Coding change: c.894T>G on transcript NM_001130009.3 (MANE Select); coding-DNA position 894, T replaced by G.
Protein change: p.Cys298Trp; replaces cysteine 298 with tryptophan.
Molecular consequence: missense variant.
Genome position (GRCh38, 1-based): chr2:17,772,725, T>G. VCF-style: chr2-17772725-T-G. GRCh37 (hg19) VCF-style: chr2-17953992-T-G.
Other names: c.894T>G, p.Cys298Trp (NM_182625.5); c.894T>G (NM_001130009.1); short protein forms C298W.
Identifiers: ClinVar variation 1369244 (VCV001369244.10), dbSNP rs371772153, ClinGen allele CA1540592.